The following is an entry in ClinVar:

ClinVar aggregate classification (germline): Likely pathogenic (1 of 4 stars; one submission).

gnomAD v4.1: 1 of 1,608,074 alleles (0.000062%); highest among the groups gnomAD compares: Non-Finnish European, 0.000085%; no homozygotes.

Submission:

Labcorp Genetics (formerly Invitae), Labcorp
Classification: Likely pathogenic. Last evaluated: 2025-07-28. Review status: criteria provided, single submitter. Criteria: Invitae Variant Classification Sherloc (09022015). Collection method: clinical testing. Allele origin: germline.
Comment: This sequence change affects a donor splice site in intron 40 of the COL11A1 gene. It is expected to disrupt RNA splicing. Variants that disrupt the donor or acceptor splice site typically lead to a loss of protein function (PMID: 16199547), and loss-of-function variants in COL11A1 are known to be pathogenic (PMID: 20513134, 21035103, 23922384, 25240749, 32427345, 32756486). The frequency data for this variant in the population databases is considered unreliable, as metrics indicate poor data quality at this position in the gnomAD database. This variant has not been reported in the literature in individuals affected with COL11A1-related conditions. ClinVar contains an entry for this variant (Variation ID: 3654203). Algorithms developed to predict the effect of sequence changes on RNA splicing suggest that this variant may disrupt the consensus splice site. In summary, the currently available evidence indicates that the variant is pathogenic, but additional data are needed to prove that conclusively. Therefore, this variant has been classified as Likely Pathogenic.

Literature cited by the submitters: PubMed 16199547; PubMed 20513134; PubMed 21035103; PubMed 23922384; PubMed 25240749; PubMed 32427345; PubMed 32756486.

NM_001854.4(COL11A1):c.3114+1G>A

Gene: COL11A1 (collagen type XI alpha 1 chain; minus strand). Cytogenetic location: 1p21.1.
Variant type: single nucleotide variant.
Coding change: c.3114+1G>A on transcript NM_001854.4 (MANE Select); the canonical splice donor site of the intron after coding-DNA position 3114, G replaced by A.
Molecular consequence: splice donor variant.
Genome position (GRCh38, 1-based): chr1:102,962,175, C>T on the plus strand (G>A on the coding strand, the complement: COL11A1 is on the minus strand). VCF-style: chr1-102962175-C-T. GRCh37 (hg19) VCF-style: chr1-103427731-C-T.
Other names: c.2997+1G>A (NM_001190709.2); c.3150+1G>A (NM_080629.3); c.2766+1G>A (NM_080630.4).
Identifiers: ClinVar variation 3654203 (VCV003654203.2).